The following is an entry in ClinVar:

NM_001164277.2(SLC37A4):c.1022C>T (p.Ser341Phe)

Gene: SLC37A4 (solute carrier family 37 member 4; minus strand). Cytogenetic location: 11q23.3.
Variant type: single nucleotide variant.
Coding change: c.1022C>T on transcript NM_001164277.2 (MANE Select); coding-DNA position 1022, C replaced by T.
Protein change: p.Ser341Phe; replaces serine 341 with phenylalanine.
Molecular consequence: missense variant.
Genome position (GRCh38, 1-based): chr11:119,025,292, G>A on the plus strand (C>T on the coding strand, the complement: SLC37A4 is on the minus strand). VCF-style: chr11-119025292-G-A. GRCh37 (hg19) VCF-style: chr11-118896002-G-A.
Other names: c.1088C>T, p.Ser363Phe (NM_001164278.2); c.803C>T, p.Ser268Phe (NM_001164279.2); c.1022C>T, p.Ser341Phe (NM_001164280.2, NM_001467.6); short protein forms S268F, S341F, S363F.
Identifiers: ClinVar variation 1011254 (VCV001011254.4), dbSNP rs938040106, ClinGen allele CA382896196.

ClinVar aggregate classification (germline): Uncertain significance. Review status: criteria provided, single submitter (1 of 4 stars). 2 submissions from 2 submitters: Uncertain significance (1). 1 of the submissions does not count toward it. Last evaluated 2020-07-01.

Conditions:
Glucose-6-phosphate transport defect (GSD1B). Also called: Glycogen Storage Disease Type Ib; GSD Ib. Identifiers: Orphanet 364, Orphanet 79259, MedGen C0268146, MONDO:0009288, OMIM 232220.

Submissions (2):

Labcorp Genetics (formerly Invitae), Labcorp
Classification: Uncertain significance for Glucose-6-phosphate transport defect. Last evaluated: 2020-07-01. Review status: criteria provided, single submitter. Criteria: Invitae Variant Classification Sherloc (09022015). Collection method: clinical testing. Allele origin: germline.
Comment: This sequence change replaces serine with phenylalanine at codon 341 of the SLC37A4 protein (p.Ser341Phe). The serine residue is highly conserved and there is a large physicochemical difference between serine and phenylalanine. This variant is not present in population databases (ExAC no frequency). This variant has not been reported in the literature in individuals with SLC37A4-related conditions. Experimental studies and prediction algorithms are not available or were not evaluated, and the functional significance of this variant is currently unknown. In summary, the available evidence is currently insufficient to determine the role of this variant in disease. Therefore, it has been classified as a Variant of Uncertain Significance.

Natera, Inc.
Classification: Uncertain significance for Glycogen storage disease type Ib. Last evaluated: 2021-07-14. Review status: no assertion criteria provided. Collection method: clinical testing. Allele origin: germline. Not counted in ClinVar's aggregate classification.